The following is an entry in ClinVar:

ClinVar aggregate classification (germline): Uncertain significance. Review status: criteria provided, multiple submitters, no conflicts (2 of 4 stars). 2 submissions from 2 submitters: Uncertain significance (2). Last evaluated 2022-08-08.

Conditions:
Atrioventricular septal defect 5 (AVSD5). Identifiers: MedGen C3280939, MONDO:0013769, OMIM 614474.

Allele frequency attached by ClinVar (database versions not stated): gnomAD exomes below 0.00001 and 0.00001; gnomAD 0.00001; TOPMed 0.00001.
gnomAD v4.1: 7 of 1,602,796 alleles (0.00044%); highest among the groups gnomAD compares: Non-Finnish European, 0.00059%; no homozygotes.

Submissions (2):

GeneDx
Classification: Uncertain significance. Last evaluated: 2022-08-08. Review status: criteria provided, single submitter. Criteria: GeneDx Variant Classification Process June 2021. Collection method: clinical testing. Allele origin: germline. Affected: yes.
Comment: Has not been previously published as pathogenic or benign to our knowledge; Not observed at significant frequency in large population cohorts (gnomAD); In silico analysis supports that this missense variant does not alter protein structure/function

Labcorp Genetics (formerly Invitae), Labcorp
Classification: Uncertain significance for Atrioventricular septal defect 5. Last evaluated: 2021-12-27. Review status: criteria provided, single submitter. Criteria: Invitae Variant Classification Sherloc (09022015). Collection method: clinical testing. Allele origin: germline.
Comment: This sequence change replaces alanine, which is neutral and non-polar, with serine, which is neutral and polar, at codon 122 of the GATA6 protein (p.Ala122Ser). In summary, the available evidence is currently insufficient to determine the role of this variant in disease. Therefore, it has been classified as a Variant of Uncertain Significance. Algorithms developed to predict the effect of missense changes on protein structure and function (SIFT, PolyPhen-2, Align-GVGD) all suggest that this variant is likely to be tolerated. This variant has not been reported in the literature in individuals affected with GATA6-related conditions. The frequency data for this variant in the population databases is considered unreliable, as metrics indicate poor data quality at this position in the gnomAD database.

NM_005257.6(GATA6):c.364G>T (p.Ala122Ser)

Gene: GATA6 (GATA binding protein 6; plus strand). Cytogenetic location: 18q11.2.
Variant type: single nucleotide variant.
Coding change: c.364G>T on transcript NM_005257.6 (MANE Select); coding-DNA position 364, G replaced by T.
Protein change: p.Ala122Ser; replaces alanine 122 with serine.
Molecular consequence: missense variant.
Genome position (GRCh38, 1-based): chr18:22,171,508, G>T. VCF-style: chr18-22171508-G-T. GRCh37 (hg19) VCF-style: chr18-19751469-G-T.
Other names: c.364G>T (NM_005257.4); short protein forms A122S.
Identifiers: ClinVar variation 1411980 (VCV001411980.6), dbSNP rs1245960637, ClinGen allele CA401799507.